The following is an entry in ClinVar:

ClinVar aggregate classification (germline): Conflicting classifications of pathogenicity. Review status: criteria provided, conflicting classifications (1 of 4 stars). 2 submissions from 2 submitters: Likely pathogenic (1); Uncertain significance (1). Last evaluated 2019-12-21.

Conditions:
CTCF-related neurodevelopmental disorder. Also called: Intellectual disability-feeding difficulties-developmental delay-microcephaly syndrome; INTELLECTUAL DEVELOPMENTAL DISORDER, AUTOSOMAL DOMINANT 21. Identifiers: Orphanet 363611, MedGen C3809686, MONDO:0014213, OMIM 615502.

Submissions (2):

Institute of Human Genetics, University of Leipzig Medical Center
Classification: Likely pathogenic for CTCF-related neurodevelopmental disorder. Last evaluated: 2019-12-21. Review status: criteria provided, single submitter. Criteria: ACMG Guidelines, 2015. Collection method: research. Allele origin: de novo.

Labcorp Genetics (formerly Invitae), Labcorp
Classification: Uncertain significance. Last evaluated: 2018-06-14. Review status: criteria provided, single submitter. Criteria: Invitae Variant Classification Sherloc (09022015). Collection method: clinical testing. Allele origin: germline.
Comment: This sequence change replaces histidine with proline at codon 294 of the CTCF protein (p.His294Pro). The histidine residue is highly conserved and there is a moderate physicochemical difference between histidine and proline. This variant is not present in population databases (ExAC no frequency). In summary, the available evidence is currently insufficient to determine the role of this variant in disease. Therefore, it has been classified as a Variant of Uncertain Significance. Algorithms developed to predict the effect of missense changes on protein structure and function are either unavailable or do not agree on the potential impact of this missense change (SIFT: "Deleterious"; PolyPhen-2: "Probably Damaging"; Align-GVGD: "Class C0"). This variant has not been reported in the literature in individuals with CTCF-related disease.

Literature cited by the submitters: PubMed 31239556 (cited by Institute of Human Genetics, University of Leipzig Medical Center).

NM_006565.4(CTCF):c.881A>C (p.His294Pro)

Gene: CTCF (CCCTC-binding factor; plus strand). Cytogenetic location: 16q22.1.
Variant type: single nucleotide variant.
Coding change: c.881A>C on transcript NM_006565.4 (MANE Select); coding-DNA position 881, A replaced by C.
Protein change: p.His294Pro; replaces histidine 294 with proline.
Molecular consequence: missense variant. On other transcripts: intron variant (1).
Genome position (GRCh38, 1-based): chr16:67,612,050, A>C. VCF-style: chr16-67612050-A-C. GRCh37 (hg19) VCF-style: chr16-67645953-A-C.
Other names: c.881A>C, p.His294Pro (NM_001363916.2); c.-32-4695A>C (NM_001191022.2); short protein forms H294P.
Identifiers: ClinVar variation 1007892 (VCV001007892.10), dbSNP rs2052068772, ClinGen allele CA396309397.